The following is an entry in ClinVar:

ClinVar aggregate classification (germline): Conflicting classifications of pathogenicity. Review status: criteria provided, conflicting classifications (1 of 4 stars). 8 submissions from 8 submitters: Likely pathogenic (1); Uncertain significance (3). 4 of the submissions do not count toward it. Last evaluated 2025-01-13.

Conditions:
Retinitis pigmentosa 26 (RP26). Identifiers: Orphanet 791, MedGen C1842127, MONDO:0012024, OMIM 608380.
CERKL-related disorders.

Allele frequency attached by ClinVar (database versions not stated): TOPMed 0.00007; gnomAD exomes 0.00008 and 0.00014; gnomAD 0.00009; ExAC 0.00007; 1000 Genomes Project 30x 0.00031; 1000 Genomes Project 0.00040.
gnomAD v4.1: 213 of 1,614,028 alleles (0.013%); highest among the groups gnomAD compares: Non-Finnish European, 0.017%; no homozygotes.

Submissions (8):

Labcorp Genetics (formerly Invitae), Labcorp
Classification: Uncertain significance. Last evaluated: 2025-01-13. Review status: criteria provided, single submitter. Criteria: Invitae Variant Classification Sherloc (09022015). Collection method: clinical testing. Allele origin: germline.
Comment: This sequence change replaces arginine, which is basic and polar, with cysteine, which is neutral and slightly polar, at codon 343 of the CERKL protein (p.Arg343Cys). This variant is present in population databases (rs142530341, gnomAD 0.02%). This missense change has been observed in individual(s) with retinitis pigmentosa (PMID: 36819107). ClinVar contains an entry for this variant (Variation ID: 991255). Invitae Evidence Modeling of protein sequence and biophysical properties (such as structural, functional, and spatial information, amino acid conservation, physicochemical variation, residue mobility, and thermodynamic stability) has been performed for this missense variant. However, the output from this modeling did not meet the statistical confidence thresholds required to predict the impact of this variant on CERKL protein function. This variant disrupts the p.Arg343 amino acid residue in CERKL. Other variant(s) that disrupt this residue have been observed in individuals with CERKL-related conditions (PMID: 32531858), which suggests that this may be a clinically significant amino acid residue. In summary, the available evidence is currently insufficient to determine the role of this variant in disease. Therefore, it has been classified as a Variant of Uncertain Significance.

Blueprint Genetics
Classification: Likely pathogenic for CERKL-related disorders. Last evaluated: 2023-09-12. Review status: criteria provided, single submitter. Criteria: ACMG Guidelines, 2015. Collection method: clinical testing. Allele origin: germline. Affected: yes. Observed: 5 variant alleles.

Fulgent Genetics
Classification: Uncertain significance for Retinitis pigmentosa 26. Last evaluated: 2021-10-25. Review status: criteria provided, single submitter. Criteria: ACMG Guidelines, 2015. Collection method: clinical testing. Allele origin: unknown.

Breakthrough Genomics
Classification: Uncertain significance. Review status: criteria provided, single submitter. Criteria: ACMG Guidelines, 2015. Collection method: not provided. Allele origin: germline. Inheritance: Autosomal recessive inheritance. Affected: yes.

Natera, Inc.
Classification: Uncertain significance for Retinitis pigmentosa type 26. Last evaluated: 2020-07-12. Review status: no assertion criteria provided. Collection method: clinical testing. Allele origin: germline. Not counted in ClinVar's aggregate classification.

Clinical Genetics DNA and cytogenetics Diagnostics Lab, Erasmus MC, Erasmus Medical Center
Classification: Uncertain significance. Review status: no assertion criteria provided. Collection method: clinical testing. Allele origin: germline. Affected: yes. Study: VKGL Data-share Consensus. Not counted in ClinVar's aggregate classification.

Diagnostic Laboratory, Department of Genetics, University Medical Center Groningen
Classification: Uncertain significance. Review status: no assertion criteria provided. Collection method: clinical testing. Allele origin: germline. Affected: yes. Study: VKGL Data-share Consensus. Not counted in ClinVar's aggregate classification.

Joint Genome Diagnostic Labs from Nijmegen and Maastricht, Radboudumc and MUMC+
Classification: Uncertain significance. Review status: no assertion criteria provided. Collection method: clinical testing. Allele origin: germline. Affected: yes. Study: VKGL Data-share Consensus. Not counted in ClinVar's aggregate classification.

Literature cited by the submitters: PubMed 36819107 (cited by Labcorp Genetics (formerly Invitae), Labcorp); PubMed 32531858 (cited by Labcorp Genetics (formerly Invitae), Labcorp).

NM_201548.5(CERKL):c.949C>T (p.Arg317Cys)

Gene: CERKL (CERK like autophagy regulator; minus strand). Cytogenetic location: 2q31.3.
Variant type: single nucleotide variant.
Coding change: c.949C>T on transcript NM_201548.5 (MANE Select); coding-DNA position 949, C replaced by T.
Protein change: p.Arg317Cys; replaces arginine 317 with cysteine.
Molecular consequence: missense variant. On other transcripts: non-coding transcript variant (2).
Genome position (GRCh38, 1-based): chr2:181,548,804, G>A on the plus strand (C>T on the coding strand, the complement: CERKL is on the minus strand). VCF-style: chr2-181548804-G-A. GRCh37 (hg19) VCF-style: chr2-182413531-G-A.
Other names: c.1027C>T, p.Arg343Cys (NM_001030311.3); c.610C>T, p.Arg204Cys (NM_001030312.3); c.742C>T, p.Arg248Cys (NM_001030313.3); c.895C>T, p.Arg299Cys (NM_001160277.2); short protein forms R204C, R248C, R299C, R317C, R343C.
Identifiers: ClinVar variation 991255 (VCV000991255.13), dbSNP rs142530341, ClinGen allele CA2010605.